The following is an entry in ClinVar:

ClinVar aggregate classification (germline): Likely pathogenic (1 of 4 stars; one submission).

Conditions:
Neurofibromatosis, type 1 (NF1). Also called: VON RECKLINGHAUSEN DISEASE; Peripheral type neurofibromatosis; Neurofibromatosis, type I; NEUROFIBROMATOSIS, TYPE I, SOMATIC. Identifiers: Orphanet 636, MedGen C0027831, MONDO:0018975, OMIM 162200. Disease mechanism: loss of function.

Submission:

Labcorp Genetics (formerly Invitae), Labcorp
Classification: Likely pathogenic for Neurofibromatosis, type 1. Last evaluated: 2015-07-02. Review status: criteria provided, single submitter. Criteria: Invitae Variant Classification Sherloc (09022015). Collection method: clinical testing. Allele origin: germline.
Comment: This sequence change is a gross in-frame deletion of the genomic region encompassing exons 40 - 45 of the NF1 gene. This variant has not been published in the literature and is not present in population databases. 3 different missense substitutions in the region of this deletion (p.Leu2104Arg; p.Ser2019Phe; p.Lys2252Arg) have been reported to be deleterious in NF1 patients with de novo inheritance (PMID: 23656349). This suggests that exons 40-45 deletion may encompass residues important for NF1 protein function. For these reasons, this variant has been classified as Likely Pathogenic.

NM_000267.3(NF1):c.5944-?_6858+?del

Gene: NF1 (neurofibromin 1; plus strand).
Variant type: Deletion.
Coding change: c.5944-?_6858+?del on transcript NM_000267.3.
Other names: c.5944-?_6858+?del (LRG_214t1).
Identifiers: ClinVar variation 219404 (VCV000219404.1).